The following is an entry in ClinVar:

ClinVar aggregate classification (germline): Uncertain significance (1 of 4 stars; one submission).

Conditions:
Eichsfeld type congenital muscular dystrophy (CMYO3). Also called: MYOPATHY, SEPN1-RELATED; SELENON-related myopathy; Congenital myopathy 3 with rigid spine; Rigid spine muscular dystrophy 1. Identifiers: MedGen C0410180, MONDO:0100100, OMIM 602771.

Submission:

Labcorp Genetics (formerly Invitae), Labcorp
Classification: Uncertain significance for Eichsfeld type congenital muscular dystrophy. Last evaluated: 2021-10-07. Review status: criteria provided, single submitter. Criteria: Invitae Variant Classification Sherloc (09022015). Collection method: clinical testing. Allele origin: germline.
Comment: In summary, the available evidence is currently insufficient to determine the role of this variant in disease. Therefore, it has been classified as a Variant of Uncertain Significance. Experimental studies and prediction algorithms are not available or were not evaluated, and the functional significance of this variant is currently unknown. This variant has not been reported in the literature in individuals affected with SELENON-related conditions. This variant is not present in population databases (ExAC no frequency). This variant, c.1204_1206del, results in the deletion of 1 amino acid(s) of the SELENON protein (p.Glu402del), but otherwise preserves the integrity of the reading frame.

NM_206926.2(SELENON):c.1099GAG[1] (p.Glu368del)

Gene: SELENON (selenoprotein N; plus strand). Cytogenetic location: 1p36.11.
Variant type: Microsatellite.
Coding change: c.1099GAG[1] on transcript NM_206926.2 (MANE Select); one copy of the 3-base unit GAG starting at c.1099; the reference has two copies in a row; one copy, 3 bases deleted.
Protein change: p.Glu368del; deletes glutamic acid 368.
Molecular consequence: inframe deletion.
Genome position (GRCh38, 1-based): chr1:25,811,802-25,811,804, GAG deleted; deleting any 3 consecutive bases within chr1:25,811,799-25,811,804 gives the same sequence; the position shown is the placement nearest the transcript's 3' end. VCF-style (leftmost placement, unchanged base first): chr1-25811798-TGAG-T. GRCh37 (hg19) VCF-style: chr1-26138289-TGAG-T.
Other names: c.1201GAG[1], p.Glu402del (NM_020451.3); short protein forms E368del, E402del.
Identifiers: ClinVar variation 1508289 (VCV001508289.6), dbSNP rs1197764943, ClinGen allele CA521904813.